The following is an entry in ClinVar:

ClinVar aggregate classification (germline): Uncertain significance (1 of 4 stars; one submission).

gnomAD v4.1: 1 of 1,613,988 alleles (0.000062%); highest among the groups gnomAD compares: African/African-American, 0.0013%; no homozygotes.

Submission:

GeneDx
Classification: Uncertain significance. Last evaluated: 2024-10-11. Review status: criteria provided, single submitter. Criteria: GeneDx Variant Classification Process June 2021. Collection method: clinical testing. Allele origin: germline. Affected: yes.
Comment: In silico analysis supports that this missense variant has a deleterious effect on protein structure/function; Has not been previously published as pathogenic or benign to our knowledge

NM_013450.4(BAZ2B):c.5486G>T (p.Arg1829Met)

Gene: BAZ2B (bromodomain adjacent to zinc finger domain 2B; minus strand). Cytogenetic location: 2q24.2.
Variant type: single nucleotide variant.
Coding change: c.5486G>T on transcript NM_013450.4 (MANE Select); coding-DNA position 5486, G replaced by T.
Protein change: p.Arg1829Met; replaces arginine 1829 with methionine.
Molecular consequence: missense variant.
Genome position (GRCh38, 1-based): chr2:159,337,741, C>A on the plus strand (G>T on the coding strand, the complement: BAZ2B is on the minus strand). VCF-style: chr2-159337741-C-A. GRCh37 (hg19) VCF-style: chr2-160194252-C-A.
Other names: c.5378G>T, p.Arg1793Met (NM_001289975.1); c.5324G>T, p.Arg1775Met (NM_001329857.2); c.5411G>T, p.Arg1804Met (NM_001329858.2); short protein forms R1775M, R1793M, R1804M, R1829M.
Identifiers: ClinVar variation 3777388 (VCV003777388.1).